The following is an entry in ClinVar:

NM_000038.6(APC):c.4209C>T (p.Ser1403=)

Gene: APC (APC regulator of Wnt signaling pathway; plus strand). Cytogenetic location: 5q22.2.
Variant type: single nucleotide variant.
Coding change: c.4209C>T on transcript NM_000038.6 (MANE Select); coding-DNA position 4209, C replaced by T.
Protein change: p.Ser1403=; no amino-acid change (serine 1403 retained).
Molecular consequence: synonymous variant.
Genome position (GRCh38, 1-based): chr5:112,839,803, C>T. VCF-style: chr5-112839803-C-T. GRCh37 (hg19) VCF-style: chr5-112175500-C-T.
Other names: c.4209C>T, p.Ser1403= (NM_001127510.3, NM_001354895.2); c.4155C>T, p.Ser1385= (NM_001127511.3); c.4263C>T, p.Ser1421= (NM_001354896.2); c.4239C>T, p.Ser1413= (NM_001354897.2); c.4134C>T, p.Ser1378= (NM_001354898.2); c.4125C>T, p.Ser1375= (NM_001354899.2); c.4086C>T, p.Ser1362= (NM_001354900.2); c.4032C>T, p.Ser1344= (NM_001354901.2); and 5 more.
Identifiers: ClinVar variation 537594 (VCV000537594.18), dbSNP rs1554085619, ClinGen allele CA445964211.

ClinVar aggregate classification (germline): Benign/Likely benign. Review status: criteria provided, multiple submitters, no conflicts (2 of 4 stars). 4 submissions from 4 submitters: Benign (1); Likely benign (3). Last evaluated 2025-07-07.

Conditions:
Hereditary cancer-predisposing syndrome. Also called: Tumor predisposition; Hereditary Cancer Syndrome; Hereditary neoplastic syndrome; Neoplastic Syndromes, Hereditary. Identifiers: Orphanet 140162, MedGen C0027672, MeSH D009386, MONDO:0015356.
Familial adenomatous polyposis 1 (FAP1). Also called: FAMILIAL ADENOMATOUS POLYPOSIS 1, ATTENUATED; POLYPOSIS, ADENOMATOUS INTESTINAL. Identifiers: MedGen C2713442, MONDO:0021056, OMIM 175100. Disease mechanism: loss of function.

Allele frequency attached by ClinVar (database versions not stated): gnomAD 0.00001.
gnomAD v4.1: 2 of 1,613,972 alleles (0.00012%); highest among the groups gnomAD compares: Admixed American, 0.0017%; no homozygotes.

Submissions (4):

Color Diagnostics, LLC DBA Color Health
Classification: Likely benign for Hereditary cancer-predisposing syndrome. Last evaluated: 2025-07-07. Review status: criteria provided, single submitter. Criteria: ACMG Guidelines, 2015. Collection method: clinical testing. Allele origin: germline.

Labcorp Genetics (formerly Invitae), Labcorp
Classification: Likely benign for Familial adenomatous polyposis 1. Last evaluated: 2024-09-30. Review status: criteria provided, single submitter. Criteria: Invitae Variant Classification Sherloc (09022015). Collection method: clinical testing. Allele origin: germline.

Myriad Genetics, Inc.
Classification: Benign for Familial adenomatous polyposis 1. Last evaluated: 2024-03-26. Review status: criteria provided, single submitter. Criteria: Myriad Autosomal Dominant, Autosomal Recessive and X-Linked Classification Criteria (2023). Collection method: clinical testing. Allele origin: unknown.
Comment: This variant is considered benign. This variant is a silent/synonymous amino acid change and it is not expected to impact splicing.

Ambry Genetics
Classification: Likely benign for Hereditary cancer-predisposing syndrome. Last evaluated: 2019-08-14. Review status: criteria provided, single submitter. Criteria: Ambry Variant Classification Scheme 2023. Collection method: clinical testing. Allele origin: germline.